The following is an entry in ClinVar:

ClinVar aggregate classification (germline): Uncertain significance (1 of 4 stars; one submission).

Allele frequency attached by ClinVar (database versions not stated): ExAC 0.00001; gnomAD 0.00001; gnomAD exomes 0.00001; TOPMed 0.00003.
gnomAD v4.1: 13 of 1,613,778 alleles (0.00081%); highest among the groups gnomAD compares: Non-Finnish European, 0.0011%; no homozygotes.

Submission:

Labcorp Genetics (formerly Invitae), Labcorp
Classification: Uncertain significance. Last evaluated: 2023-12-14. Review status: criteria provided, single submitter. Criteria: Invitae Variant Classification Sherloc (09022015). Collection method: clinical testing. Allele origin: germline.
Comment: This sequence change replaces leucine, which is neutral and non-polar, with phenylalanine, which is neutral and non-polar, at codon 96 of the COL10A1 protein (p.Leu96Phe). This variant is present in population databases (rs760220486, gnomAD 0.004%). This variant has not been reported in the literature in individuals affected with COL10A1-related conditions. Advanced modeling of protein sequence and biophysical properties (such as structural, functional, and spatial information, amino acid conservation, physicochemical variation, residue mobility, and thermodynamic stability) has been performed at Invitae for this missense variant, however the output from this modeling did not meet the statistical confidence thresholds required to predict the impact of this variant on COL10A1 protein function. In summary, the available evidence is currently insufficient to determine the role of this variant in disease. Therefore, it has been classified as a Variant of Uncertain Significance.

NM_000493.4(COL10A1):c.288G>T (p.Leu96Phe)

Genes: COL10A1 (collagen type X alpha 1 chain; minus strand), NT5DC1 (5'-nucleotidase domain containing 1; plus strand). Cytogenetic location: 6q22.1.
Variant type: single nucleotide variant.
Coding change: c.288G>T on transcript NM_000493.4 (MANE Select); coding-DNA position 288, G replaced by T.
Protein change: p.Leu96Phe; replaces leucine 96 with phenylalanine.
Molecular consequence: missense variant. On other transcripts: intron variant (1).
Genome position (GRCh38, 1-based): chr6:116,121,828, C>A on the plus strand (G>T on the coding strand, the complement: COL10A1 is on the minus strand). VCF-style: chr6-116121828-C-A. GRCh37 (hg19) VCF-style: chr6-116442991-C-A.
Other names: c.288G>T, p.Leu96Phe (NM_001424106.1, NM_001424107.1); c.529+3883C>A (NM_152729.3); short protein forms L96F.
Identifiers: ClinVar variation 2887573 (VCV002887573.3), dbSNP rs760220486, ClinGen allele CA3968435.
Genomic context (GRCh38, chr6:116,121,828, plus strand): 5'-TTTTCCTGGGAGTCCTGGCACACCTGGTTTCCCTACAGCTGATGGTCCCGGTGGTCCTGG[C>A]AACCCTGGCTCTCCTTGGAGTCCAGGACTTCCGTAGCCTGGTTTTCCTGGTGGTCCAGAA-3'
Protein context (NP_000484.2, residues 86-106): GSPGLQGEPG[Leu96Phe]PGPPGPSAVG